The following is an entry in ClinVar:

ClinVar aggregate classification (germline): Likely benign. Review status: criteria provided, multiple submitters, no conflicts (2 of 4 stars). 4 submissions from 4 submitters: Likely benign (4). Last evaluated 2024-05-29.

Conditions:
Cardiovascular phenotype. Identifiers: MedGen CN230736.
Familial hypercholesterolemia. Also called: Familial hypercholesterolaemia; Familial hypercholesterolemias. Identifiers: MedGen C0020445, MONDO:0005439.
Hypercholesterolemia, autosomal dominant, 3 (FHCL3). Also called: Familial hypercholesterolemia 3; Familial Hypercholesterolemia, Autosomal Dominant, 3; PCSK9-Related Familial Hypercholesterolemia, Autosomal Dominant. Identifiers: MedGen C1863551, MONDO:0011369, OMIM 603776.

Allele frequency attached by ClinVar (database versions not stated): TOPMed below 0.00001.
gnomAD v4.1: 1 of 1,613,948 alleles (0.000062%); no homozygotes.

Submissions (4):

GENinCode PLC
Classification: Likely benign for Familial hypercholesterolemia. Last evaluated: 2024-05-29. Review status: criteria provided, single submitter. Criteria: ACMG Guidelines, 2015. Collection method: clinical testing. Allele origin: germline.
Comment: This is a synonymous (silent) variant that is not predicted by SpliceAI to impact splicing. In addition, it occurs at a nucleotide that is not conserved. Therefore this variant has been classified as Likely Benign (BP4, BP7).

Ambry Genetics
Classification: Likely benign for Cardiovascular phenotype. Last evaluated: 2023-12-31. Review status: criteria provided, single submitter. Criteria: Ambry Variant Classification Scheme 2023. Collection method: clinical testing. Allele origin: germline.

All of Us Research Program, National Institutes of Health
Classification: Likely benign for Hypercholesterolemia, autosomal dominant, 3. Last evaluated: 2023-09-17. Review status: criteria provided, single submitter. Criteria: ACMG Guidelines, 2015. Collection method: clinical testing. Allele origin: germline. Inheritance: Autosomal dominant inheritance. Observed: 1 variant allele, 1 heterozygote.
Comment: This study involves interpretation of variants in research participants for the purpose of population health screening. Participant phenotype was not available at the time of variant classification. Additional details can be found in publication PMID: 35346344, PMCID: PMC8962531

Labcorp Genetics (formerly Invitae), Labcorp
Classification: Likely benign for Hypercholesterolemia, autosomal dominant, 3. Last evaluated: 2022-08-30. Review status: criteria provided, single submitter. Criteria: Invitae Variant Classification Sherloc (09022015). Collection method: clinical testing. Allele origin: germline.

NM_174936.4(PCSK9):c.1893C>A (p.Thr631=)

Gene: PCSK9 (proprotein convertase subtilisin/kexin type 9; plus strand). Cytogenetic location: 1p32.3.
Variant type: single nucleotide variant.
Coding change: c.1893C>A on transcript NM_174936.4 (MANE Select); coding-DNA position 1893, C replaced by A.
Protein change: p.Thr631=; no amino-acid change (threonine 631 retained).
Molecular consequence: synonymous variant. On other transcripts: non-coding transcript variant (8).
Genome position (GRCh38, 1-based): chr1:55,063,398, C>A. VCF-style: chr1-55063398-C-A. GRCh37 (hg19) VCF-style: chr1-55529071-C-A.
Other names: c.2016C>A, p.Thr672= (NM_001407240.1); c.1935C>A, p.Thr645= (NM_001407241.1); c.1896C>A, p.Thr632= (NM_001407242.1); c.1836C>A, p.Thr612= (NM_001407243.1); c.1719C>A, p.Thr573= (NM_001407244.1); c.1701C>A, p.Thr567= (NM_001407245.1); c.1518C>A, p.Thr506= (NM_001407246.1); c.1392C>A, p.Thr464= (NM_001407247.1).
Identifiers: ClinVar variation 1975509 (VCV001975509.8), dbSNP rs1166059463, ClinGen allele CA417960599.
Genomic context (GRCh38, chr1:55,063,398, plus strand): 5'-CATGTGCTTTCTTTTCCTCGGGCTCTGGCAGGTGACCGTGGCCTGCGAGGAGGGCTGGAC[C>A]CTGACTGGCTGCAGTGCCCTCCCTGGGACCTCCCACGTCCTGGGGGCCTACGCCGTAGAC-3'
Protein context (NP_777596.2, residues 621-641): QVTVACEEGW[Thr631=]LTGCSALPGT